The following is an entry in ClinVar:

ClinVar aggregate classification (germline): Uncertain significance (1 of 4 stars; one submission).

Conditions:
Long QT syndrome (LQTS). Identifiers: MedGen C0023976, MeSH D008133, MONDO:0002442. Disease mechanism: loss of function. Inheritance: Various modes of inheritance.

Allele frequency attached by ClinVar (database versions not stated): gnomAD exomes below 0.00001; TOPMed below 0.00001; ExAC 0.00001.
gnomAD v4.1: 11 of 1,613,732 alleles (0.00068%); highest among the groups gnomAD compares: Admixed American, 0.0017%; no homozygotes.

Submission:

Labcorp Genetics (formerly Invitae), Labcorp
Classification: Uncertain significance for Long QT syndrome. Last evaluated: 2023-12-20. Review status: criteria provided, single submitter. Criteria: Invitae Variant Classification Sherloc (09022015). Collection method: clinical testing. Allele origin: germline.
Comment: This sequence change replaces leucine, which is neutral and non-polar, with valine, which is neutral and non-polar, at codon 865 of the CACNA1C protein (p.Leu865Val). This variant is present in population databases (rs752104120, gnomAD 0.003%). This variant has not been reported in the literature in individuals affected with CACNA1C-related conditions. ClinVar contains an entry for this variant (Variation ID: 1023609). Advanced modeling of protein sequence and biophysical properties (such as structural, functional, and spatial information, amino acid conservation, physicochemical variation, residue mobility, and thermodynamic stability) performed at Invitae indicates that this missense variant is not expected to disrupt CACNA1C protein function with a negative predictive value of 80%. In summary, the available evidence is currently insufficient to determine the role of this variant in disease. Therefore, it has been classified as a Variant of Uncertain Significance.

NM_000719.7(CACNA1C):c.2593C>G (p.Leu865Val)

Gene: CACNA1C (calcium voltage-gated channel subunit alpha1 C; plus strand). Cytogenetic location: 12p13.33.
Variant type: single nucleotide variant.
Coding change: c.2593C>G on transcript NM_000719.7 (MANE Select); coding-DNA position 2593, C replaced by G.
Protein change: p.Leu865Val; replaces leucine 865 with valine.
Molecular consequence: missense variant.
Genome position (GRCh38, 1-based): chr12:2,593,275, C>G. VCF-style: chr12-2593275-C-G. GRCh37 (hg19) VCF-style: chr12-2702441-C-G.
Other names: c.2593C>G, p.Leu865Val (NM_001129827.2, NM_001129829.2, NM_001129830.3 and 18 more transcripts); c.2584C>G, p.Leu862Val (NM_001129844.2); short protein forms L862V, L865V.
Identifiers: ClinVar variation 1023609 (VCV001023609.7), dbSNP rs752104120, ClinGen allele CA6389014.